The following is an entry in ClinVar:

NM_007294.4(BRCA1):c.3481_3491del (p.Glu1161fs)

Genes: BRCA1 (BRCA1 DNA repair associated; minus strand), LOC126862571 (BRD4-independent group 4 enhancer GRCh37_chr17:41243136-41244335; plus strand). Cytogenetic location: 17q21.31.
Variant type: Deletion.
Coding change: c.3481_3491del on transcript NM_007294.4 (MANE Select); coding-DNA positions 3481 to 3491, 11 bases deleted (GAAGATACTAG).
Protein change: p.Glu1161fs; shifts the reading frame from glutamic acid 1161.
Molecular consequence: frameshift variant. On other transcripts: intron variant (135).
Genome position (GRCh38, 1-based): chr17:43,092,040-43,092,050, CTAGTATCTTC deleted on the plus strand (GAAGATACTAG on the coding strand, the reverse complement: BRCA1 is on the minus strand); deleting any 11 consecutive bases within chr17:43,092,040-43,092,052 gives the same sequence; the c. name uses the placement nearest the transcript's 3' end. VCF-style (leftmost placement, unchanged base first): chr17-43092039-ACTAGTATCTTC-A. GRCh37 (hg19) VCF-style: chr17-41244056-ACTAGTATCTTC-A.
Other names: 3598del11; 3600_3610delGAAGATACTAG; 3600del11; c.3481_3491del (U14680.1); c.3481_3491delGAAGATACTAG (NM_007294.3); c.3268_3278del, p.Glu1090fs (NM_001407571.1, NM_001407853.1, NM_001407894.1 and 9 more transcripts); c.3481_3491del, p.Glu1161fs (NM_001407581.1, NM_001407582.1, NM_001407583.1 and 30 more transcripts); c.3478_3488del, p.Glu1160fs (NM_001407587.1, NM_001407590.1, NM_001407591.1 and 22 more transcripts); and 46 more; short protein forms E1114fs, E1161fs, E1033fs, E1050fs, E1090fs, E1120fs, E1049fs, E1072fs.
Identifiers: ClinVar variation 17684 (VCV000017684.103), dbSNP rs80357877, ClinGen allele CA002244.

ClinVar aggregate classification (germline): Pathogenic. Review status: reviewed by expert panel (3 of 4 stars). 40 submissions from 39 submitters: Pathogenic (1). 39 of the submissions do not count toward it. Last evaluated 2016-04-22.

Conditions:
BRCA1-related cancer predisposition. Identifiers: MedGen CN377757, MONDO:0700268.
Hereditary cancer-predisposing syndrome. Also called: Neoplastic Syndromes, Hereditary; Tumor predisposition; Hereditary Cancer Syndrome; Hereditary neoplastic syndrome. Identifiers: Orphanet 140162, MedGen C0027672, MeSH D009386, MONDO:0015356.
Inherited breast cancer and ovarian cancer.
Breast and/or ovarian cancer. Identifiers: MedGen CN221562.
Hereditary breast ovarian cancer syndrome. Also called: Hereditary breast and ovarian cancer; Breast and ovarian cancer; Hereditary breast and/or ovarian cancer syndrome; Hereditary breast and ovarian cancer syndrome (HBOC); Hereditary breast and ovarian cancer syndrome; BRCA1- and BRCA2-Associated Hereditary Breast and Ovarian Cancer. Identifiers: Orphanet 145, MedGen C0677776, MeSH D061325, MONDO:0003582. Disease mechanism: loss of function.
Ovarian neoplasm. Also called: Ovarian tumor; Neoplasm of ovary; Ovarian Neoplasms. Identifiers: MedGen C0919267, MeSH D010051, MONDO:0021068, HP:0100615.
Breast-ovarian cancer, familial, susceptibility to, 1 (BROVCA1). Also called: OVARIAN CANCER, SUSCEPTIBILITY TO; BRCA1 Hereditary Breast and Ovarian Cancer. Identifiers: Orphanet 145, MedGen C2676676, MONDO:0011450, OMIM 604370. Disease mechanism: loss of function.
Familial cancer of breast. Also called: BREAST CANCER, FAMILIAL; Hereditary breast cancer; hereditary breast carcinoma. Identifiers: Orphanet 227535, MedGen C0346153, MONDO:0016419, OMIM 114480. Disease mechanism: loss of function.

Submissions 1 to 11 of 40:

Evidence-based Network for the Interpretation of Germline Mutant Alleles (ENIGMA)
Classification: Pathogenic for Breast-ovarian cancer, familial, susceptibility to, 1. Last evaluated: 2016-04-22. Review status: reviewed by expert panel. Criteria: ENIGMA BRCA1/2 Classification Criteria (2015). Collection method: curation. Allele origin: germline.
Comment: Variant allele predicted to encode a truncated non-functional protein.

Institute of Human Genetics, University of Leipzig Medical Center
Classification: Pathogenic for Breast-ovarian cancer, familial, susceptibility to, 1. Last evaluated: 2026-07-06. Review status: criteria provided, single submitter. Criteria: ACMG Guidelines, 2015. Collection method: clinical testing. Allele origin: unknown. Inheritance: Autosomal dominant inheritance. Affected: yes. Not counted in ClinVar's aggregate classification.
Comment: Criteria applied: PVS1,PM5_STR,PM2_SUP

Genetics Laboratory, Great Ormond Street Hospital NHS Foundation Trust, North Thames Genomic Laboratory Hub
Classification: Pathogenic for Inherited breast cancer and ovarian cancer. Last evaluated: 2026-05-13. Review status: criteria provided, single submitter. Criteria: CanVIG BRCA Gene Specific V1.22. Collection method: clinical testing. Allele origin: germline. Affected: yes. Not counted in ClinVar's aggregate classification.
Comment: PS4_moderate, PM2_supporting, PVS1_very-strong, PM5_strong

Labcorp Genetics (formerly Invitae), Labcorp
Classification: Pathogenic for Hereditary breast ovarian cancer syndrome. Last evaluated: 2026-01-07. Review status: criteria provided, single submitter. Criteria: Invitae Variant Classification Sherloc (09022015). Collection method: clinical testing. Allele origin: germline. Not counted in ClinVar's aggregate classification.
Comment: This sequence change creates a premature translational stop signal (p.Glu1161Phefs*3) in the BRCA1 gene. It is expected to result in an absent or disrupted protein product. Loss-of-function variants in BRCA1 are known to be pathogenic (PMID: 20104584). This variant is not present in population databases (gnomAD no frequency). This premature translational stop signal has been observed in individual(s) with a personal and family history of breast and ovarian cancer (PMID: 7611277, 10196379, 12955716, 15131401, 23199084). It is commonly reported in individuals of French ancestry (PMID: 7611277, 10196379, 12955716, 15131401, 23199084). This variant is also known as 3600del11 and 3600_3610del11. ClinVar contains an entry for this variant (Variation ID: 17684). For these reasons, this variant has been classified as Pathogenic.

Institute of Human Genetics, FAU Erlangen, Friedrich-Alexander-Universität Erlangen-Nürnberg
Classification: Pathogenic. Last evaluated: 2025-05-23. Review status: criteria provided, single submitter. Criteria: Hauer et al. (Genet Med. 2018). Collection method: clinical testing. Allele origin: germline. Inheritance: Unknown mechanism. Affected: yes. Observed: 1 variant allele. Not counted in ClinVar's aggregate classification.
Comment: This variant has been identified by standard clinical testing.

Mayo Clinic Laboratories, Mayo Clinic
Classification: Pathogenic. Last evaluated: 2025-03-19. Review status: criteria provided, single submitter. Criteria: ACMG Guidelines, 2015. Collection method: clinical testing. Allele origin: germline. Observed: 4 variant alleles. Not counted in ClinVar's aggregate classification.
Comment: PP4_very_strong, PM2_supporting, PM5_strong, PVS1

Center for Genomic Medicine, Rigshospitalet, Copenhagen University Hospital
Classification: Pathogenic. Last evaluated: 2025-03-04. Review status: criteria provided, single submitter. Criteria: ACMG Guidelines, 2015. Collection method: clinical testing. Allele origin: germline. Not counted in ClinVar's aggregate classification.

Ambry Genetics
Classification: Pathogenic for Hereditary cancer-predisposing syndrome. Last evaluated: 2024-11-13. Review status: criteria provided, single submitter. Criteria: Ambry Variant Classification Scheme 2023. Collection method: clinical testing. Allele origin: germline. Not counted in ClinVar's aggregate classification.
Comment: The c.3481_3491del11 pathogenic mutation, located in coding exon 9 of the BRCA1 gene, results from a deletion of 11 nucleotides at nucleotide positions 3481 to 3491, causing a translational frameshift with a predicted alternate stop codon (p.E1161Ffs*3). This mutation has been identified in multiple individuals with hereditary breast and/or ovarian cancer (Walsh T et al. Proc. Natl. Acad. Sci. U.S.A. 2011 Nov;108:18032-7; Struewing JP et al. Am. J. Hum. Genet. 1995 Jul;57:1-7; Janezic SA et al. Hum. Mol. Genet. 1999 May;8:889-97; D&iacute;ez O et al. Hum. Mutat. 2003 Oct;22:301-12; Azzollini J et al Eur. J. Intern. Med. 2016 Jul;32:65-71). This mutation was reported to account for approximately 37% of BRCA1 mutations in France, indicating a possible founder effect (Janaviius R. EPMA J. 2010 Sep;1:397-412). Of note, this alteration is also designated as 3600del11 in published literature. This variant is considered to be rare based on population cohorts in the Genome Aggregation Database (gnomAD). In addition to the clinical data presented in the literature, this alteration is expected to result in loss of function by premature protein truncation or nonsense-mediated mRNA decay. As such, this alteration is interpreted as a disease-causing mutation.

Revvity Omics, Revvity
Classification: Pathogenic. Last evaluated: 2024-11-07. Review status: criteria provided, single submitter. Criteria: ACMG Guidelines, 2015. Collection method: clinical testing. Allele origin: germline. Not counted in ClinVar's aggregate classification.

Institute of Human Genetics, University of Leipzig Medical Center
Classification: Pathogenic for Familial cancer of breast. Last evaluated: 2024-10-01. Review status: criteria provided, single submitter. Criteria: ACMG Guidelines, 2015. Collection method: clinical testing. Allele origin: unknown. Inheritance: Autosomal dominant inheritance. Affected: yes. Not counted in ClinVar's aggregate classification.
Comment: the same text as in the submission from Institute of Human Genetics, University of Leipzig Medical Center above.

All of Us Research Program, National Institutes of Health
Classification: Pathogenic for BRCA1-related cancer predisposition. Last evaluated: 2024-08-19. Review status: criteria provided, single submitter. Criteria: ACMG Guidelines, 2015. Collection method: clinical testing. Allele origin: germline. Inheritance: Autosomal dominant inheritance. Observed: 3 variant alleles, 3 heterozygotes. Not counted in ClinVar's aggregate classification.
Comment: This variant deletes 11 nucleotides in exon 10 of the BRCA1 gene, creating a frameshift and premature translation stop signal. This variant is also known as 3600del11 and c.3481_3491del11 in the literature. This variant is expected to result in an absent or non-functional protein product. To our knowledge, functional studies have not been reported for this variant. This variant has been observed in multiple families and individuals affected with breast and ovarian cancer (PMID: 7611277, 9150149, 9760198, 10196379, 12955716, 15131401, 22006311, 23199084, 25880076, 26287763, 26681312, 27062684), in a breast cancer case-control meta-analysis in 6/60466 cases and 1/53461 unaffected individuals (PMID: 33471991; Leiden Open Variation Database DB-ID BRCA1_000258), and has been suggested to be a common founder mutation in France (PMID: 15131401). This variant has not been identified in the general population by the Genome Aggregation Database (gnomAD). Loss of BRCA1 function is a known mechanism of disease. Based on the available evidence, this variant is classified as Pathogenic.

This study involves interpretation of variants in research participants for the purpose of population health screening. Participant phenotype was not available at the time of variant classification. Additional details can be found in publication PMID: 35346344, PMCID: PMC8962531